The following is an entry in ClinVar:

NM_152383.5(DIS3L2):c.2249A>G (p.Gln750Arg)

Gene: DIS3L2 (DIS3 like 3'-5' exoribonuclease 2; plus strand). Cytogenetic location: 2q37.1.
Variant type: single nucleotide variant.
Coding change: c.2249A>G on transcript NM_152383.5 (MANE Select); coding-DNA position 2249, A replaced by G.
Protein change: p.Gln750Arg; replaces glutamine 750 with arginine.
Molecular consequence: missense variant. On other transcripts: non-coding transcript variant (2), intron variant (1).
Genome position (GRCh38, 1-based): chr2:232,334,459, A>G. VCF-style: chr2-232334459-A-G. GRCh37 (hg19) VCF-style: chr2-233199169-A-G.
Other names: c.1582-8886A>G (NM_001257281.2); short protein forms Q750R.
Identifiers: ClinVar variation 1434169 (VCV001434169.8), dbSNP rs2106354382, ClinGen allele CA350977795.

ClinVar aggregate classification (germline): Uncertain significance (1 of 4 stars; one submission).

Conditions:
Perlman syndrome (PRLMNS). Identifiers: Orphanet 2849, MedGen C0796113, MONDO:0009965, OMIM 267000.

Submission:

Labcorp Genetics (formerly Invitae), Labcorp
Classification: Uncertain significance for Perlman syndrome. Last evaluated: 2022-08-23. Review status: criteria provided, single submitter. Criteria: Invitae Variant Classification Sherloc (09022015). Collection method: clinical testing. Allele origin: germline.
Comment: This sequence change replaces glutamine, which is neutral and polar, with arginine, which is basic and polar, at codon 750 of the DIS3L2 protein (p.Gln750Arg). This variant is not present in population databases (gnomAD no frequency). This variant has not been reported in the literature in individuals affected with DIS3L2-related conditions. ClinVar contains an entry for this variant (Variation ID: 1434169). Algorithms developed to predict the effect of missense changes on protein structure and function are either unavailable or do not agree on the potential impact of this missense change (SIFT: "Tolerated"; PolyPhen-2: "Possibly Damaging"; Align-GVGD: "Class C0"). In summary, the available evidence is currently insufficient to determine the role of this variant in disease. Therefore, it has been classified as a Variant of Uncertain Significance.